The following is an entry in ClinVar:

NM_007055.4(POLR3A):c.2888A>G (p.Asp963Gly)

Gene: POLR3A (RNA polymerase III subunit A; minus strand). Cytogenetic location: 10q22.3.
Variant type: single nucleotide variant.
Coding change: c.2888A>G on transcript NM_007055.4 (MANE Select); coding-DNA position 2888, A replaced by G.
Protein change: p.Asp963Gly; replaces aspartic acid 963 with glycine.
Molecular consequence: missense variant.
Genome position (GRCh38, 1-based): chr10:77,991,067, T>C on the plus strand (A>G on the coding strand, the complement: POLR3A is on the minus strand). VCF-style: chr10-77991067-T-C. GRCh37 (hg19) VCF-style: chr10-79750825-T-C.
Other names: short protein forms D963G.
Identifiers: ClinVar variation 2133504 (VCV002133504.4), dbSNP rs761205136, ClinGen allele CA377333215.

ClinVar aggregate classification (germline): Uncertain significance (1 of 4 stars; one submission).

Submission:

Labcorp Genetics (formerly Invitae), Labcorp
Classification: Uncertain significance. Last evaluated: 2022-05-17. Review status: criteria provided, single submitter. Criteria: Invitae Variant Classification Sherloc (09022015). Collection method: clinical testing. Allele origin: germline.
Comment: This sequence change replaces aspartic acid, which is acidic and polar, with glycine, which is neutral and non-polar, at codon 963 of the POLR3A protein (p.Asp963Gly). This variant is present in population databases (no rsID available, gnomAD 0.003%). This variant has not been reported in the literature in individuals affected with POLR3A-related conditions. Algorithms developed to predict the effect of missense changes on protein structure and function are either unavailable or do not agree on the potential impact of this missense change (SIFT: "Deleterious"; PolyPhen-2: "Benign"; Align-GVGD: "Class C0"). In summary, the available evidence is currently insufficient to determine the role of this variant in disease. Therefore, it has been classified as a Variant of Uncertain Significance.